The following is an entry in ClinVar:

NC_000020.10:g.(?_8608921)_(8609098_?)del

Gene: PLCB1 (phospholipase C beta 1; plus strand). Cytogenetic location: 20p12.3.
Variant type: Deletion.
Identifiers: ClinVar variation 1411919 (VCV001411919.6).

ClinVar aggregate classification (germline): Uncertain significance (1 of 4 stars; one submission).

Conditions:
Developmental and epileptic encephalopathy, 12 (DEE12). Identifiers: MedGen C3150988, MONDO:0013389, OMIM 613722.

Submission:

Labcorp Genetics (formerly Invitae), Labcorp
Classification: Uncertain significance for Developmental and epileptic encephalopathy, 12. Last evaluated: 2021-08-03. Review status: criteria provided, single submitter. Criteria: Invitae Variant Classification Sherloc (09022015). Collection method: clinical testing. Allele origin: germline.
Comment: This variant is a gross deletion of the genomic region encompassing exon(s) 4 of the PLCB1 gene. This variant would be expected to be in-frame, preserving the integrity of the reading frame. This variant has not been reported in the literature in individuals affected with PLCB1-related conditions. Experimental studies and prediction algorithms are not available or were not evaluated, and the functional significance of this variant is currently unknown. In summary, the available evidence is currently insufficient to determine the role of this variant in disease. Therefore, it has been classified as a Variant of Uncertain Significance.